The following is an entry in ClinVar:

ClinVar aggregate classification (germline): Uncertain significance (1 of 4 stars; one submission).

Conditions:
Malignant hyperthermia, susceptibility to, 1 (MHS1). Also called: RYR1-Related Malignant Hyperthermia Susceptibility; Anesthesia related hyperthermia; Malignant hyperpyrexia; Fulminating hyperpyrexia; Pharmacogenic myopathy; Malignant hyperthermia suceptibility 1. Identifiers: Orphanet 423, MedGen C2930980, MONDO:0007783, OMIM 145600.

Allele frequency attached by ClinVar (database versions not stated): gnomAD exomes below 0.00001.
gnomAD v4.1: 1 of 1,613,576 alleles (0.000062%); highest among the groups gnomAD compares: South Asian, 0.0011%; no homozygotes.

Submission:

All of Us Research Program, National Institutes of Health
Classification: Uncertain significance for Malignant hyperthermia, susceptibility to, 1. Last evaluated: 2023-02-24. Review status: criteria provided, single submitter. Criteria: ACMG Guidelines, 2015. Collection method: clinical testing. Allele origin: germline. Inheritance: Autosomal dominant inheritance. Observed: 1 variant allele, 1 heterozygote.
Comment: This missense variant replaces glycine with glutamic acid at codon 3787 of the RYR1 protein. Computational prediction suggests that this variant may have deleterious impact on protein structure and function (internally defined REVEL score threshold >= 0.7, PMID: 27666373). To our knowledge, functional studies have not been reported for this variant. This variant has not been reported in individuals affected with RYR1-related disorders in the literature. This variant has not been identified in the general population by the Genome Aggregation Database (gnomAD). The available evidence is insufficient to determine the role of this variant in disease conclusively. Therefore, this variant is classified as a Variant of Uncertain Significance.

This study involves interpretation of variants in research participants for the purpose of population health screening. Participant phenotype was not available at the time of variant classification. Additional details can be found in publication PMID: 35346344, PMCID: PMC8962531

NM_000540.3(RYR1):c.11360G>A (p.Gly3787Glu)

Gene: RYR1 (ryanodine receptor 1; plus strand). Cytogenetic location: 19q13.2.
Variant type: single nucleotide variant.
Coding change: c.11360G>A on transcript NM_000540.3 (MANE Select); coding-DNA position 11360, G replaced by A.
Protein change: p.Gly3787Glu; replaces glycine 3787 with glutamic acid.
Molecular consequence: missense variant.
Genome position (GRCh38, 1-based): chr19:38,535,141, G>A. VCF-style: chr19-38535141-G-A. GRCh37 (hg19) VCF-style: chr19-39025781-G-A.
Other names: c.11345G>A, p.Gly3782Glu (NM_001042723.2); short protein forms G3782E, G3787E.
Identifiers: ClinVar variation 3069677 (VCV003069677.1), dbSNP rs2514530037, ClinGen allele CA405655028.
Genomic context (GRCh38, chr19:38,535,141, plus strand): 5'-TGGGTGGAACACACTGCCTTCCAACTGGGTGGACCATCTTTTTTCTCCCACTCCCTCCAG[G>A]AGAGACAGGTGCCATGGTGTCCTCCACCCTGAAGCTGGGCATCTCCATCCTCAATGGAGG-3'
Protein context (NP_000531.2, residues 3777-3797): MVLQMISACK[Gly3787Glu]ETGAMVSSTL